The following is an entry in ClinVar:

ClinVar aggregate classification (germline): Uncertain significance (1 of 4 stars; one submission).

Conditions:
Familial adenomatous polyposis 1 (FAP1). Also called: FAMILIAL ADENOMATOUS POLYPOSIS 1, ATTENUATED; POLYPOSIS, ADENOMATOUS INTESTINAL. Identifiers: MedGen C2713442, MONDO:0021056, OMIM 175100. Disease mechanism: loss of function.

Allele frequency attached by ClinVar (database versions not stated): gnomAD 0.00001; TOPMed 0.00001.
gnomAD v4.1: 3 of 1,128,986 alleles (0.00027%); highest among the groups gnomAD compares: Non-Finnish European, 0.00036%; no homozygotes.

Submission:

Labcorp Genetics (formerly Invitae), Labcorp
Classification: Uncertain significance for Familial adenomatous polyposis 1. Last evaluated: 2025-09-16. Review status: criteria provided, single submitter. Criteria: Invitae Variant Classification Sherloc (09022015). Collection method: clinical testing. Allele origin: germline.
Comment: This variant occurs in a non-coding region of the APC gene. It does not change the encoded amino acid sequence of the APC protein. This variant is not present in population databases (gnomAD no frequency). This variant has not been reported in the literature in individuals affected with APC-related conditions. ClinVar contains an entry for this variant (Variation ID: 656674). Experimental studies and prediction algorithms are not available or were not evaluated, and the functional significance of this variant is currently unknown. In summary, the available evidence is currently insufficient to determine the role of this variant in disease. Therefore, it has been classified as a Variant of Uncertain Significance.

NM_001127511.3(APC):c.-119G>C

Gene: APC (APC regulator of Wnt signaling pathway; plus strand). Cytogenetic location: 5q22.2.
Variant type: single nucleotide variant.
Coding change: c.-119G>C on transcript NM_001127511.3; 119 bases upstream of the start codon, G replaced by C.
Molecular consequence: 5 prime UTR variant. On other transcripts: non-coding transcript variant (2).
Genome position (GRCh38, 1-based): chr5:112,707,599, G>C. VCF-style: chr5-112707599-G-C. GRCh37 (hg19) VCF-style: chr5-112043296-G-C.
Other names: c.-302G>C (NM_001354895.2, NM_001407447.1, NM_001407452.1 and 3 more transcripts); c.-119G>C (NM_001354897.2, NM_001354902.2, NM_001407446.1); c.-69G>C (NM_001407448.1, NM_001407450.1, NM_001407457.1 and 1 more transcripts); c.-93G>C (NM_001407453.1); c.-1337G>C (NM_001407470.1, NM_001407472.1).
Identifiers: ClinVar variation 656674 (VCV000656674.7), dbSNP rs1460028540, ClinGen allele CA802057174.